The following is an entry in ClinVar:

NM_001034853.2(RPGR):c.2530G>T (p.Glu844Ter)

Gene: RPGR (retinitis pigmentosa GTPase regulator; minus strand). Cytogenetic location: Xp11.4.
Variant type: single nucleotide variant.
Coding change: c.2530G>T on transcript NM_001034853.2 (MANE Select); coding-DNA position 2530, G replaced by T.
Protein change: p.Glu844Ter; replaces glutamic acid 844 with a stop codon.
Molecular consequence: nonsense. On other transcripts: intron variant (8).
Genome position (GRCh38, 1-based): chrX:38,286,469, C>A on the plus strand (G>T on the coding strand, the complement: RPGR is on the minus strand). VCF-style: chrX-38286469-C-A. GRCh37 (hg19) VCF-style: chrX-38145722-C-A.
Other names: c.1569+4490G>T (NM_001367249.1, NM_001367250.1); c.1902+625G>T (NM_001367245.1); c.1386+4490G>T (NM_001367251.1); c.1719+625G>T (NM_001367246.1); c.1572+4490G>T (NM_001367247.1); c.1905+625G>T (NM_000328.3); c.1602+4490G>T (NM_001367248.1); short protein forms E844*.
Identifiers: ClinVar variation 3248654 (VCV003248654.3).

ClinVar aggregate classification (germline): Pathogenic. Review status: criteria provided, multiple submitters, no conflicts (2 of 4 stars). 3 submissions from 3 submitters: Pathogenic (2). 1 of the submissions does not count toward it. Last evaluated 2025-09-24.

Conditions:
Retinal dystrophy. Also called: Inherited retinal dystrophy. Identifiers: Orphanet 71862, MedGen C0854723, MeSH D058499, MONDO:0019118, HP:0000556.
RPGR-related disorder. Also called: RPGR-related condition.
Primary ciliary dyskinesia. Also called: Ciliary dyskinesia. Identifiers: Orphanet 244, MedGen C0008780, MONDO:0016575, HP:0012265.

Submissions (3):

Labcorp Genetics (formerly Invitae), Labcorp
Classification: Pathogenic for Primary ciliary dyskinesia. Last evaluated: 2025-09-24. Review status: criteria provided, single submitter. Criteria: Invitae Variant Classification Sherloc (09022015). Collection method: clinical testing. Allele origin: germline.
Comment: This sequence change creates a premature translational stop signal (p.Glu844*) in the RPGR (ORF15) gene. While this is not anticipated to result in nonsense mediated decay, it is expected to disrupt the last 309 amino acid(s) of the RPGR (ORF15) protein. The frequency data for this variant in the population databases is considered unreliable, as metrics indicate insufficient coverage at this position in the gnomAD database. This variant has not been reported in the literature in individuals affected with RPGR (ORF15)-related conditions. ClinVar contains an entry for this variant (Variation ID: 3248654). This variant disrupts a region of the RPGR (ORF15) protein in which other variant(s) (p.Leu1130Lysfs*13) have been determined to be pathogenic (PMID: 22264887). This suggests that this is a clinically significant region of the protein, and that variants that disrupt it are likely to be disease-causing. For these reasons, this variant has been classified as Pathogenic.

Blueprint Genetics
Classification: Pathogenic for RPGR-related disorders. Last evaluated: 2019-10-30. Review status: criteria provided, single submitter. Criteria: ACMG Guidelines, 2015. Collection method: clinical testing. Allele origin: germline. Affected: yes. Observed: 2 variant alleles.

Institute of Human Genetics, Univ. Regensburg, Univ. Regensburg
Classification: Pathogenic for Retinal dystrophy. Last evaluated: 2018-01-01. Review status: no assertion criteria provided. Criteria: ACMG Guidelines, 2015. Collection method: clinical testing. Allele origin: germline. Affected: yes. Not counted in ClinVar's aggregate classification.

Literature cited by the submitters: PubMed 22264887 (cited by Labcorp Genetics (formerly Invitae), Labcorp).